The following is an entry in ClinVar:

ClinVar aggregate classification (germline): Uncertain significance (1 of 4 stars; one submission).

Submission:

Labcorp Genetics (formerly Invitae), Labcorp
Classification: Uncertain significance. Last evaluated: 2021-05-31. Review status: criteria provided, single submitter. Criteria: Invitae Variant Classification Sherloc (09022015). Collection method: clinical testing. Allele origin: germline.
Comment: In summary, the available evidence is currently insufficient to determine the role of this variant in disease. Therefore, it has been classified as a Variant of Uncertain Significance. Advanced modeling of protein sequence and biophysical properties (such as structural, functional, and spatial information, amino acid conservation, physicochemical variation, residue mobility, and thermodynamic stability) performed at Invitae indicates that this missense variant is expected to disrupt COL4A1 protein function. This variant has not been reported in the literature in individuals with COL4A1-related conditions. This variant is not present in population databases (ExAC no frequency). This sequence change replaces glycine with glutamic acid at codon 1470 of the COL4A1 protein (p.Gly1470Glu). The glycine residue is highly conserved and there is a moderate physicochemical difference between glycine and glutamic acid.

NM_001845.6(COL4A1):c.4409G>A (p.Gly1470Glu)

Gene: COL4A1 (collagen type IV alpha 1 chain; minus strand). Cytogenetic location: 13q34.
Variant type: single nucleotide variant.
Coding change: c.4409G>A on transcript NM_001845.6 (MANE Select); coding-DNA position 4409, G replaced by A.
Protein change: p.Gly1470Glu; replaces glycine 1470 with glutamic acid.
Molecular consequence: missense variant.
Genome position (GRCh38, 1-based): chr13:110,162,283, C>T on the plus strand (G>A on the coding strand, the complement: COL4A1 is on the minus strand). VCF-style: chr13-110162283-C-T. GRCh37 (hg19) VCF-style: chr13-110814630-C-T.
Other names: short protein forms G1470E.
Identifiers: ClinVar variation 1495277 (VCV001495277.8), dbSNP rs2139146120, ClinGen allele CA388657952.